The following is an entry in ClinVar:

NM_006767.4(LZTR1):c.2482A>G (p.Ile828Val)

Gene: LZTR1 (leucine zipper like post translational regulator 1; plus strand). Cytogenetic location: 22q11.21.
Variant type: single nucleotide variant.
Coding change: c.2482A>G on transcript NM_006767.4 (MANE Select); coding-DNA position 2482, A replaced by G.
Protein change: p.Ile828Val; replaces isoleucine 828 with valine.
Molecular consequence: missense variant.
Genome position (GRCh38, 1-based): chr22:20,997,307, A>G. VCF-style: chr22-20997307-A-G. GRCh37 (hg19) VCF-style: chr22-21351596-A-G.
Other names: short protein forms I828V.
Identifiers: ClinVar variation 1791937 (VCV001791937.2), dbSNP rs2518626837, ClinGen allele CA410781816.

ClinVar aggregate classification (germline): Uncertain significance (1 of 4 stars; one submission).

Conditions:
Hereditary cancer-predisposing syndrome. Also called: Hereditary Cancer Syndrome; Hereditary neoplastic syndrome; Tumor predisposition; Neoplastic Syndromes, Hereditary. Identifiers: Orphanet 140162, MedGen C0027672, MeSH D009386, MONDO:0015356.
Cardiovascular phenotype. Identifiers: MedGen CN230736.

Submission:

Ambry Genetics
Classification: Uncertain significance for Cardiovascular phenotype; Hereditary cancer-predisposing syndrome. Last evaluated: 2020-08-07. Review status: criteria provided, single submitter. Criteria: Ambry Variant Classification Scheme 2023. Collection method: clinical testing. Allele origin: germline.
Comment: The p.I828V variant (also known as c.2482A>G), located in coding exon 21 of the LZTR1 gene, results from an A to G substitution at nucleotide position 2482. The isoleucine at codon 828 is replaced by valine, an amino acid with highly similar properties. This amino acid position is highly conserved in available vertebrate species. In addition, this alteration is predicted to be tolerated by in silico analysis. Since supporting evidence is limited at this time, the clinical significance of this alteration remains unclear.